The following is an entry in ClinVar:

NM_001035.3(RYR2):c.10205T>C (p.Val3402Ala)

Gene: RYR2 (ryanodine receptor 2; plus strand). Cytogenetic location: 1q43.
Variant type: single nucleotide variant.
Coding change: c.10205T>C on transcript NM_001035.3 (MANE Select); coding-DNA position 10205, T replaced by C.
Protein change: p.Val3402Ala; replaces valine 3402 with alanine.
Molecular consequence: missense variant.
Genome position (GRCh38, 1-based): chr1:237,709,542, T>C. VCF-style: chr1-237709542-T-C. GRCh37 (hg19) VCF-style: chr1-237872842-T-C.
Other names: c.10205T>C, p.Val3402Ala (LRG_402t1); short protein forms V3402A.
Identifiers: ClinVar variation 463538 (VCV000463538.10), dbSNP rs1553294519, ClinGen allele CA345411711.

ClinVar aggregate classification (germline): Uncertain significance (1 of 4 stars; one submission).

Conditions:
Catecholaminergic polymorphic ventricular tachycardia 1. Also called: VENTRICULAR TACHYCARDIA, STRESS-INDUCED POLYMORPHIC 1; VENTRICULAR TACHYCARDIA, CATECHOLAMINERGIC POLYMORPHIC, 1, WITH OR WITHOUT ATRIAL DYSFUNCTION AND/OR DILATED CARDIOMYOPATHY; RYR2-Related Catecholaminergic Polymorphic Ventricular Tachycardia. Identifiers: Orphanet 3286, MedGen C1631597, MONDO:0011484, OMIM 604772.

Submission:

Labcorp Genetics (formerly Invitae), Labcorp
Classification: Uncertain significance for Catecholaminergic polymorphic ventricular tachycardia 1. Last evaluated: 2022-10-13. Review status: criteria provided, single submitter. Criteria: Invitae Variant Classification Sherloc (09022015). Collection method: clinical testing. Allele origin: germline.
Comment: This variant has not been reported in the literature in individuals affected with RYR2-related conditions. ClinVar contains an entry for this variant (Variation ID: 463538). Algorithms developed to predict the effect of missense changes on protein structure and function (SIFT, PolyPhen-2, Align-GVGD) all suggest that this variant is likely to be disruptive. In summary, the available evidence is currently insufficient to determine the role of this variant in disease. Therefore, it has been classified as a Variant of Uncertain Significance. This variant is not present in population databases (gnomAD no frequency). This sequence change replaces valine, which is neutral and non-polar, with alanine, which is neutral and non-polar, at codon 3402 of the RYR2 protein (p.Val3402Ala).